The following is an entry in ClinVar:

NM_014991.6(WDFY3):c.6062_6064del (p.Asp2021del)

Gene: WDFY3 (WD repeat and FYVE domain containing 3; minus strand). Cytogenetic location: 4q21.23.
Variant type: Deletion.
Coding change: c.6062_6064del on transcript NM_014991.6 (MANE Select); coding-DNA positions 6062 to 6064, 3 bases deleted (ATG; older notation c.6062_6064delATG).
Protein change: p.Asp2021del; deletes aspartic acid 2021.
Molecular consequence: inframe deletion.
Genome position (GRCh38, 1-based): chr4:84,743,709-84,743,711, CAT deleted on the plus strand (ATG on the coding strand, the reverse complement: WDFY3 is on the minus strand); deleting any 3 consecutive bases within chr4:84,743,709-84,743,713 gives the same sequence; the c. name uses the placement nearest the transcript's 3' end. VCF-style (leftmost placement, unchanged base first): chr4-84743708-ACAT-A. GRCh37 (hg19) VCF-style: chr4-85664861-ACAT-A.
Other names: short protein forms D2021del.
Identifiers: ClinVar variation 2402022 (VCV002402022.2), dbSNP rs1356546458, ClinGen allele CA357558850.
Genomic context (GRCh38, chr4:84,743,708, plus strand): 5'-TAGAGAGGAAAGTGATTATAGGTATTTCTATAAAATAAAAACACAGAATTACCTAATAAC[ACAT>A]CAGCTGCAAGCAAATGGTCCATCACGCTATCCAAAATGTAAGTTTGAAATTCTTTTTGCT-3'

ClinVar aggregate classification (germline): Uncertain significance (1 of 4 stars; one submission).

Conditions:
Inborn genetic diseases. Identifiers: MedGen C0950123, MeSH D030342.

Submission:

Ambry Genetics
Classification: Uncertain significance for Inborn genetic diseases. Last evaluated: 2022-02-22. Review status: criteria provided, single submitter. Criteria: Ambry Variant Classification Scheme 2023. Collection method: clinical testing. Allele origin: germline.
Comment: The c.6062_6064delATG (p.D2021del) alteration is located in exon 37 (coding exon 34) of the WDFY3 gene. This alteration consists of an in-frame deletion of 3 nucleotides between nucleotide positions c.6062 and c.6064, resulting in the deletion of <NA> residues. Based on insufficient or conflicting evidence, the clinical significance of this alteration remains unclear.